The following is an entry in ClinVar:

ClinVar aggregate classification (germline): Benign. Review status: criteria provided, multiple submitters, no conflicts (2 of 4 stars). 5 submissions from 5 submitters: Benign (4). 1 of the submissions does not count toward it. Last evaluated 2026-01-27.

Conditions:
RAB18-related disorder. Also called: RAB18-related condition.
Warburg micro syndrome 3 (WARBM3). Also called: MICRO SYNDROME 3. Identifiers: Orphanet 2510, MedGen C3280203, MONDO:0013638, OMIM 614222.

Allele frequency attached by ClinVar (database versions not stated): ESP Exome Variant Server 0.00360; gnomAD 0.02459 and 0.01674; gnomAD exomes 0.05091 and 0.02280; 1000 Genomes Project 0.09285; TOPMed 0.02432; ExAC 0.05055; 1000 Genomes Project 30x 0.08573.

Submissions (5):

Labcorp Genetics (formerly Invitae), Labcorp
Classification: Benign. Last evaluated: 2026-01-27. Review status: criteria provided, single submitter. Criteria: Invitae Variant Classification Sherloc (09022015). Collection method: clinical testing. Allele origin: germline.

Mayo Clinic Laboratories, Mayo Clinic
Classification: Benign. Last evaluated: 2022-03-24. Review status: criteria provided, single submitter. Criteria: ACMG Guidelines, 2015. Collection method: clinical testing. Allele origin: germline. Observed: 10 variant alleles.

Fulgent Genetics
Classification: Benign for Warburg micro syndrome 3. Last evaluated: 2022-03-03. Review status: criteria provided, single submitter. Criteria: ACMG Guidelines, 2015. Collection method: clinical testing. Allele origin: unknown.

GeneDx
Classification: Benign. Last evaluated: 2017-08-21. Review status: criteria provided, single submitter. Criteria: GeneDx Variant Classification (06012015). Collection method: clinical testing. Allele origin: germline. Affected: yes.
Comment: This variant is considered likely benign or benign based on one or more of the following criteria: it is a conservative change, it occurs at a poorly conserved position in the protein, it is predicted to be benign by multiple in silico algorithms, and/or has population frequency not consistent with disease.

PreventionGenetics, part of Exact Sciences
Classification: Benign for RAB18-related condition. Last evaluated: 2019-07-26. Review status: no assertion criteria provided. Collection method: clinical testing. Allele origin: germline. Not counted in ClinVar's aggregate classification.
Comment: This variant is classified as benign based on ACMG/AMP sequence variant interpretation guidelines (Richards et al. 2015 PMID: 25741868, with internal and published modifications).

NM_021252.5(RAB18):c.260-7dup

Gene: RAB18 (RAB18, member RAS oncogene family; plus strand). Cytogenetic location: 10p12.1.
Variant type: Duplication.
Coding change: c.260-7dup on transcript NM_021252.5 (MANE Select); 7 bases into the intron before coding-DNA position 260, one base duplicated (A; older notation c.260-7dupA).
Molecular consequence: intron variant.
Genome position (GRCh38, 1-based): chr10:27,533,728, A duplicated. VCF-style (leftmost placement, unchanged base first): chr10-27533727-T-TA. GRCh37 (hg19) VCF-style: chr10-27822656-T-TA.
Other names: p.?; c.347-7dup (NM_001256410.2); c.260-7dup (NM_001256411.2); c.187-200dup (NM_001256412.2); c.347-7dupA (NM_001256410.1).
Identifiers: ClinVar variation 299816 (VCV000299816.16), dbSNP rs142609338, ClinGen allele CA5452348.